The following is an entry in ClinVar:

NM_001927.4(DES):c.406C>G (p.Leu136Val)

Gene: DES (desmin; plus strand). Cytogenetic location: 2q35.
Variant type: single nucleotide variant.
Coding change: c.406C>G on transcript NM_001927.4 (MANE Select); coding-DNA position 406, C replaced by G.
Protein change: p.Leu136Val; replaces leucine 136 with valine.
Molecular consequence: missense variant.
Genome position (GRCh38, 1-based): chr2:219,418,868, C>G. VCF-style: chr2-219418868-C-G. GRCh37 (hg19) VCF-style: chr2-220283590-C-G.
Other names: c.406C>G, p.Leu136Val (NM_001382708.1, NM_001382709.1, NM_001382710.1 and 3 more transcripts); c.406C>G (NM_001927.3); short protein forms L136V.
Identifiers: ClinVar variation 1051933 (VCV001051933.11), dbSNP rs1175707667, ClinGen allele CA350685931.

ClinVar aggregate classification (germline): Uncertain significance. Review status: criteria provided, multiple submitters, no conflicts (2 of 4 stars). 2 submissions from 2 submitters: Uncertain significance (2). Last evaluated 2023-01-10.

Conditions:
Desmin-related myofibrillar myopathy (MFM1). Also called: MYOFIBRILLAR MYOPATHY WITH ARRHYTHMOGENIC RIGHT VENTRICULAR CARDIOMYOPATHY; DESMIN-RELATED MYOPATHY WITH ARRHYTHMOGENIC RIGHT VENTRICULAR CARDIOMYOPATHY; Myofibrillar myopathy 1; Desminopathy; Desmin related myopathy (former name); Desmin storage myopathy (former name). Identifiers: Orphanet 363543, Orphanet 98909, MedGen C1832370, MONDO:0011076, OMIM 601419.
Cardiovascular phenotype. Identifiers: MedGen CN230736.

Allele frequency attached by ClinVar (database versions not stated): gnomAD exomes 0.00001.
gnomAD v4.1: 11 of 1,575,034 alleles (0.0007%); highest among the groups gnomAD compares: Non-Finnish European, 0.00095%; no homozygotes.

Submissions (2):

Ambry Genetics
Classification: Uncertain significance for Cardiovascular phenotype. Last evaluated: 2023-01-10. Review status: criteria provided, single submitter. Criteria: Ambry Variant Classification Scheme 2023. Collection method: clinical testing. Allele origin: germline.
Comment: The p.L136V variant (also known as c.406C>G), located in coding exon 1 of the DES gene, results from a C to G substitution at nucleotide position 406. The leucine at codon 136 is replaced by valine, an amino acid with highly similar properties. This amino acid position is well conserved in available vertebrate species. In addition, this alteration is predicted to be deleterious by in silico analysis. Since supporting evidence is limited at this time, the clinical significance of this alteration remains unclear.

Labcorp Genetics (formerly Invitae), Labcorp
Classification: Uncertain significance for Desmin-related myofibrillar myopathy. Last evaluated: 2022-08-16. Review status: criteria provided, single submitter. Criteria: Invitae Variant Classification Sherloc (09022015). Collection method: clinical testing. Allele origin: germline.
Comment: This sequence change replaces leucine, which is neutral and non-polar, with valine, which is neutral and non-polar, at codon 136 of the DES protein (p.Leu136Val). This variant is not present in population databases (gnomAD no frequency). This variant has not been reported in the literature in individuals affected with DES-related conditions. ClinVar contains an entry for this variant (Variation ID: 1051933). Algorithms developed to predict the effect of missense changes on protein structure and function are either unavailable or do not agree on the potential impact of this missense change (SIFT: "Deleterious"; PolyPhen-2: "Probably Damaging"; Align-GVGD: "Class C0"). In summary, the available evidence is currently insufficient to determine the role of this variant in disease. Therefore, it has been classified as a Variant of Uncertain Significance.